The following is an entry in ClinVar:

ClinVar aggregate classification (germline): Uncertain significance (1 of 4 stars; one submission).

Submission:

CeGaT Center for Human Genetics Tuebingen
Classification: Uncertain significance. Last evaluated: 2026-03-01. Review status: criteria provided, single submitter. Criteria: CeGaT Center For Human Genetics Tuebingen Variant Classification Criteria Version 2. Collection method: clinical testing. Allele origin: germline. Affected: yes. Observed: 1 variant allele.
Comment: MYH11: PM2, BP4

NM_002474.3(MYH11):c.5786+8G>T

Genes: MYH11 (myosin heavy chain 11; minus strand), NDE1 (nudE neurodevelopment protein 1; plus strand). Cytogenetic location: 16p13.11.
Variant type: single nucleotide variant.
Coding change: c.5786+8G>T on transcript NM_002474.3 (MANE Select); 8 bases into the intron after coding-DNA position 5786, G replaced by T.
Molecular consequence: intron variant.
Genome position (GRCh38, 1-based): chr16:15,714,901, C>A on the plus strand (G>T on the coding strand, the complement: MYH11 is on the minus strand). VCF-style: chr16-15714901-C-A. GRCh37 (hg19) VCF-style: chr16-15808758-C-A.
Other names: c.948-9290C>A (NM_001143979.2, NM_017668.3); c.5786+8G>T (NM_022844.3); c.5807+8G>T (NM_001040114.2, NM_001040113.2).
Identifiers: ClinVar variation 4823503 (VCV004823503.4).